The following is an entry in ClinVar:

ClinVar aggregate classification (germline): Likely benign (1 of 4 stars; one submission).

Allele frequency attached by ClinVar (database versions not stated): gnomAD exomes below 0.00001.
gnomAD v4.1: 1 of 1,604,398 alleles (0.000062%); no homozygotes.

Submission:

CeGaT Center for Human Genetics Tuebingen
Classification: Likely benign. Last evaluated: 2022-03-01. Review status: criteria provided, single submitter. Criteria: CeGaT Center For Human Genetics Tuebingen Variant Classification Criteria Version 2. Collection method: clinical testing. Allele origin: germline. Affected: yes. Observed: 1 variant allele.
Comment: NEK1: BP4, BP7

NM_001199397.3(NEK1):c.81C>T (p.Gly27=)

Gene: NEK1 (NIMA related kinase 1; minus strand). Cytogenetic location: 4q33.
Variant type: single nucleotide variant.
Coding change: c.81C>T on transcript NM_001199397.3 (MANE Select); coding-DNA position 81, C replaced by T.
Protein change: p.Gly27=; no amino-acid change (glycine 27 retained).
Molecular consequence: synonymous variant. On other transcripts: non-coding transcript variant (2).
Genome position (GRCh38, 1-based): chr4:169,602,550, G>A on the plus strand (C>T on the coding strand, the complement: NEK1 is on the minus strand). VCF-style: chr4-169602550-G-A. GRCh37 (hg19) VCF-style: chr4-170523701-G-A.
Other names: c.81C>T, p.Gly27= (NM_001199398.3, NM_001199399.3, NM_001199400.3 and 7 more transcripts).
Identifiers: ClinVar variation 2655183 (VCV002655183.24), dbSNP rs2546984916, ClinGen allele CA442297616.